The following is an entry in ClinVar:

NM_001113491.2(SEPTIN9):c.721+2443G>A

Gene: SEPTIN9 (septin 9; plus strand). Cytogenetic location: 17q25.3.
Variant type: single nucleotide variant.
Coding change: c.721+2443G>A on transcript NM_001113491.2 (MANE Select); 2443 bases into the intron after coding-DNA position 721, G replaced by A.
Molecular consequence: intron variant.
Genome position (GRCh38, 1-based): chr17:77,405,146, G>A. VCF-style: chr17-77405146-G-A. GRCh37 (hg19) VCF-style: chr17-75401228-G-A.
Other names: c.664+2443G>A (NM_001293695.2); c.229+2443G>A (NM_001113492.2, NM_001113494.1); c.667+2443G>A (NM_006640.5); c.700+2443G>A (NM_001113493.2); c.49+6G>A (NM_001293696.2).
Identifiers: ClinVar variation 3034501 (VCV003034501.3), dbSNP rs771180068, ClinGen allele CA8793287.

ClinVar aggregate classification (germline): Likely benign. Review status: criteria provided, single submitter (1 of 4 stars). 2 submissions from 2 submitters: Likely benign (1). 1 of the submissions does not count toward it. Last evaluated 2024-11-21.

Conditions:
SEPTIN9-related disorder. Also called: SEPTIN9-related condition.

Allele frequency attached by ClinVar (database versions not stated): gnomAD 0.00008; ExAC 0.00010; TOPMed 0.00010; gnomAD exomes 0.00012.
gnomAD v4.1: 179 of 1,532,216 alleles (0.012%); highest among the groups gnomAD compares: Middle Eastern, 0.13%; no homozygotes.

Submissions (2):

Blueprint Genetics
Classification: Likely benign. Last evaluated: 2024-11-21. Review status: criteria provided, single submitter. Criteria: ACMG Guidelines, 2015. Collection method: clinical testing. Allele origin: germline.

PreventionGenetics, part of Exact Sciences
Classification: Likely benign for SEPTIN9-related condition. Last evaluated: 2019-06-11. Review status: no assertion criteria provided. Collection method: clinical testing. Allele origin: germline. Not counted in ClinVar's aggregate classification.
Comment: This variant is classified as likely benign based on ACMG/AMP sequence variant interpretation guidelines (Richards et al. 2015 PMID: 25741868, with internal and published modifications).